The following is an entry in ClinVar:

ClinVar aggregate classification (germline): Pathogenic (1 of 4 stars; one submission).

Conditions:
Fanconi anemia (FA). Also called: Fanconi's anemia. Identifiers: Orphanet 84, MedGen C0015625, MeSH D005199, MONDO:0019391.

Submission:

Labcorp Genetics (formerly Invitae), Labcorp
Classification: Pathogenic for Fanconi anemia. Last evaluated: 2023-04-20. Review status: criteria provided, single submitter. Criteria: Invitae Variant Classification Sherloc (09022015). Collection method: clinical testing. Allele origin: unknown.
Comment: For these reasons, this variant has been classified as Pathogenic. A similar copy number variant has been observed in individual(s) with Fanconi anemia (PMID: 22720145, 26799702, 27041517). This variant is a gross deletion of the genomic region encompassing exon(s) 1-27 of the FANCA gene, which includes the initiator codon. This deletion extends beyond the assayed region for this gene and therefore may encompass additional genes. It is expected to result in an absent or disrupted protein product. Loss-of-function variants in FANCA are known to be pathogenic (PMID: 19367192).

Literature cited by the submitters: PubMed 22720145; PubMed 26799702; PubMed 27041517; PubMed 19367192.

NC_000016.9:g.(?_89833529)_(89883024_?)del

Gene: FANCA (FA complementation group A; minus strand). Cytogenetic location: 16q24.3.
Variant type: Deletion.
Identifiers: ClinVar variation 3243235 (VCV003243235.1).